The following is an entry in ClinVar:

ClinVar aggregate classification (germline): Benign/Likely benign. Review status: criteria provided, multiple submitters, no conflicts (2 of 4 stars). 9 submissions from 9 submitters: Benign (1); Likely benign (6). 2 of the submissions do not count toward it. Last evaluated 2026-08-01.

Conditions:
NEFL-related disorder. Also called: NEFL-related condition.
Charcot-Marie-Tooth disease. Also called: Charcot-Marie-Tooth Hereditary Neuropathy; Charcot-Marie-Tooth Neuropathy. Identifiers: Orphanet 166, MedGen C0007959, MONDO:0015626.
Charcot-Marie-Tooth disease type 2E (CMT2E). Also called: CHARCOT-MARIE-TOOTH DISEASE, AXONAL, TYPE 2E; CHARCOT-MARIE-TOOTH NEUROPATHY, TYPE 2E. Identifiers: Orphanet 99939, MedGen C1843225, MONDO:0011894, OMIM 607684.
Charcot-Marie-Tooth disease type 1F. Also called: Charcot-Marie-Tooth disease, demyelinating, type 1f; CHARCOT-MARIE-TOOTH NEUROPATHY, TYPE 1F. Identifiers: Orphanet 101085, MedGen C1843164, MONDO:0011902, OMIM 607734.

Allele frequency attached by ClinVar (database versions not stated): ESP Exome Variant Server 0.00008; gnomAD 0.00008 and 0.00011; TOPMed 0.00011; gnomAD exomes 0.00018 and 0.00035; ExAC 0.00038.
gnomAD v4.1: 278 of 1,613,644 alleles (0.017%); highest among the groups gnomAD compares: South Asian, 0.17%; 2 homozygotes.

Submissions (9):

CeGaT Center for Human Genetics Tuebingen
Classification: Likely benign. Last evaluated: 2026-08-01. Review status: criteria provided, single submitter. Criteria: CeGaT Center For Human Genetics Tuebingen Variant Classification Criteria Version 2. Collection method: clinical testing. Allele origin: germline. Affected: yes. Observed: 3 variant alleles.
Comment: NEFL: BP4, BP7

Labcorp Genetics (formerly Invitae), Labcorp
Classification: Benign for Charcot-Marie-Tooth disease type 2E. Last evaluated: 2026-01-19. Review status: criteria provided, single submitter. Criteria: Invitae Variant Classification Sherloc (09022015). Collection method: clinical testing. Allele origin: germline.

PreventionGenetics, part of Exact Sciences
Classification: Likely benign for NEFL-related condition. Last evaluated: 2025-09-24. Review status: criteria provided, single submitter. Criteria: ACMG Guidelines, 2015. Collection method: clinical testing. Allele origin: germline.
Comment: This variant is classified as likely benign based on ACMG/AMP sequence variant interpretation guidelines (Richards et al. 2015 PMID: 25741868, with internal and published modifications).

Illumina Laboratory Services, Illumina
Classification: Likely benign for Charcot-Marie-Tooth disease type 1F. Last evaluated: 2018-01-13. Review status: criteria provided, single submitter. Criteria: ICSL Variant Classification Criteria 13 December 2019. Collection method: clinical testing. Allele origin: germline.
Comment: This variant was observed in the ICSL laboratory as part of a predisposition screen in an ostensibly healthy population. It had not been previously curated by ICSL or reported in the Human Gene Mutation Database (HGMD: prior to June 1st, 2018), and was therefore a candidate for classification through an automated scoring system. Utilizing variant allele frequency, disease prevalence and penetrance estimates, and inheritance mode, an automated score was calculated to assess if this variant is too frequent to cause the disease. Based on the score and internal cut-off values, a variant classified as likely benign is not then subjected to further curation. The score for this variant resulted in a classification of likely benign for this disease.

GeneDx
Classification: Likely benign. Last evaluated: 2016-12-30. Review status: criteria provided, single submitter. Criteria: GeneDx Variant Classification (06012015). Collection method: clinical testing. Allele origin: germline. Affected: yes.
Comment: This variant is considered likely benign or benign based on one or more of the following criteria: it is a conservative change, it occurs at a poorly conserved position in the protein, it is predicted to be benign by multiple in silico algorithms, and/or has population frequency not consistent with disease.

Breakthrough Genomics
Classification: Likely benign. Review status: criteria provided, single submitter. Criteria: ACMG Guidelines, 2015. Collection method: not provided. Allele origin: germline. Inheritance: Autosomal recessive inheritance. Affected: yes.

Molecular Genetics Laboratory, London Health Sciences Centre
Classification: Likely benign for Charcot-Marie-Tooth disease. Review status: criteria provided, single submitter. Criteria: ACMG Guidelines, 2015. Collection method: clinical testing. Allele origin: germline. Affected: yes.

Epithelial Biology;  Institute of Medical Biology, Singapore
No classification provided. Review status: no classification provided. Collection method: not provided. Allele origin: not provided. Not counted in ClinVar's aggregate classification.

Inherited Neuropathy Consortium
Classification: Benign. Review status: no assertion criteria provided. Collection method: literature only. Allele origin: germline. Affected: yes. Not counted in ClinVar's aggregate classification.

Literature cited by the submitters: PubMed 12566280 (cited by Inherited Neuropathy Consortium).

NM_006158.5(NEFL):c.1212C>T (p.Ser404=)

Gene: NEFL (neurofilament light chain; minus strand). Cytogenetic location: 8p21.2.
Variant type: single nucleotide variant.
Coding change: c.1212C>T on transcript NM_006158.5 (MANE Select); coding-DNA position 1212, C replaced by T.
Protein change: p.Ser404=; no amino-acid change (serine 404 retained).
Molecular consequence: synonymous variant.
Genome position (GRCh38, 1-based): chr8:24,953,753, G>A on the plus strand (C>T on the coding strand, the complement: NEFL is on the minus strand). VCF-style: chr8-24953753-G-A. GRCh37 (hg19) VCF-style: chr8-24811267-G-A.
Identifiers: ClinVar variation 66673 (VCV000066673.48), dbSNP rs60547413, ClinGen allele CA217492.